The following is an entry in ClinVar:

NM_003136.4(SRP54):c.1139A>G (p.Asp380Gly)

Gene: SRP54 (signal recognition particle 54; plus strand). Cytogenetic location: 14q13.2.
Variant type: single nucleotide variant.
Coding change: c.1139A>G on transcript NM_003136.4 (MANE Select); coding-DNA position 1139, A replaced by G.
Protein change: p.Asp380Gly; replaces aspartic acid 380 with glycine.
Molecular consequence: missense variant.
Genome position (GRCh38, 1-based): chr14:35,019,057, A>G. VCF-style: chr14-35019057-A-G. GRCh37 (hg19) VCF-style: chr14-35488263-A-G.
Other names: c.992A>G, p.Asp331Gly (NM_001146282.2); c.1139A>G, p.Asp380Gly (NM_001411017.1); short protein forms D331G, D380G.
Identifiers: ClinVar variation 2062269 (VCV002062269.4), dbSNP rs1401533917, ClinGen allele CA389447651.

ClinVar aggregate classification (germline): Uncertain significance (1 of 4 stars; one submission).

Allele frequency attached by ClinVar (database versions not stated): gnomAD exomes below 0.00001; TOPMed below 0.00001.
gnomAD v4.1: 1 of 1,611,320 alleles (0.000062%); highest among the groups gnomAD compares: Admixed American, 0.0017%; no homozygotes.

Submission:

Labcorp Genetics (formerly Invitae), Labcorp
Classification: Uncertain significance. Last evaluated: 2026-02-02. Review status: criteria provided, single submitter. Criteria: Invitae Variant Classification Sherloc (09022015). Collection method: clinical testing. Allele origin: germline.
Comment: This sequence change replaces aspartic acid, which is acidic and polar, with glycine, which is neutral and non-polar, at codon 380 of the SRP54 protein (p.Asp380Gly). This variant is present in population databases (no rsID available, gnomAD 0.003%). This variant has not been reported in the literature in individuals affected with SRP54-related conditions. ClinVar contains an entry for this variant (Variation ID: 2062269). Invitae Evidence Modeling of protein sequence and biophysical properties (such as structural, functional, and spatial information, amino acid conservation, physicochemical variation, residue mobility, and thermodynamic stability) indicates that this missense variant is expected to disrupt SRP54 protein function with a positive predictive value of 80%. In summary, the available evidence is currently insufficient to determine the role of this variant in disease. Therefore, it has been classified as a Variant of Uncertain Significance.